The following is an entry in ClinVar:

NM_004006.3(DMD):c.2273A>G (p.Asp758Gly)

Gene: DMD (dystrophin; minus strand). Cytogenetic location: Xp21.1.
Variant type: single nucleotide variant.
Coding change: c.2273A>G on transcript NM_004006.3 (MANE Select); coding-DNA position 2273, A replaced by G.
Protein change: p.Asp758Gly; replaces aspartic acid 758 with glycine.
Molecular consequence: missense variant.
Genome position (GRCh38, 1-based): chrX:32,518,027, T>C on the plus strand (A>G on the coding strand, the complement: DMD is on the minus strand). VCF-style: chrX-32518027-T-C. GRCh37 (hg19) VCF-style: chrX-32536144-T-C.
Other names: c.2249A>G, p.Asp750Gly (NM_000109.4); c.2261A>G, p.Asp754Gly (NM_004009.3); c.1904A>G, p.Asp635Gly (NM_004010.3); short protein forms D750G, D758G, D635G, D754G.
Identifiers: ClinVar variation 1382986 (VCV001382986.9), dbSNP rs750526692, ClinGen allele CA412663713.
Genomic context (GRCh38, chrX:32,518,027, plus strand): 5'-CACAAAATGAGTACAGATATAAAAATTAATGCATAACCTACATTGACTTTTTCTTTTAAG[T>C]CTGAGAAGTTGCCTTCCTTCCGAAAGATTGCAAATTCAGGACTCTGCAACACAGCTTCTG-3'
Protein context (NP_003997.2, residues 748-768): AIFRKEGNFS[Asp758Gly]LKEKVNAIER

ClinVar aggregate classification (germline): Uncertain significance. Review status: criteria provided, multiple submitters, no conflicts (2 of 4 stars). 3 submissions from 3 submitters: Uncertain significance (3). Last evaluated 2025-12-19.

Conditions:
Duchenne muscular dystrophy (DMD). Also called: MUSCULAR DYSTROPHY, PSEUDOHYPERTROPHIC PROGRESSIVE, DUCHENNE TYPE; Duchenne Muscular Dystrophy (DMD). Identifiers: Orphanet 98896, MedGen C0013264, MONDO:0010679, OMIM 310200.
Becker muscular dystrophy (BMD). Also called: MUSCULAR DYSTROPHY, PSEUDOHYPERTROPHIC PROGRESSIVE, BECKER TYPE; Becker Muscular Dystrophy (BMD). Identifiers: Orphanet 98895, MedGen C0917713, MONDO:0010311, OMIM 300376.
Dilated cardiomyopathy 3B (CMD3B). Also called: CMD3B: DMD-Related Dilated Cardiomyopathy; CARDIOMYOPATHY, DILATED, X-LINKED; DMD-Associated Dilated Cardiomyopathy. Identifiers: Orphanet 154, MedGen C3668940, MONDO:0010542, OMIM 302045.
Cardiovascular phenotype. Identifiers: MedGen CN230736.

gnomAD v4.1: 3 of 1,210,733 alleles (0.00025%); highest among the groups gnomAD compares: Non-Finnish European, 0.00022%; no homozygotes.

Submissions (3):

Ambry Genetics
Classification: Uncertain significance for Cardiovascular phenotype. Last evaluated: 2025-12-19. Review status: criteria provided, single submitter. Criteria: Ambry Variant Classification Scheme 2023. Collection method: clinical testing. Allele origin: germline.
Comment: The p.D758G variant (also known as c.2273A>G), located in coding exon 18 of the DMD gene, results from an A to G substitution at nucleotide position 2273. The aspartic acid at codon 758 is replaced by glycine, an amino acid with similar properties. This amino acid position is well conserved in available vertebrate species. In addition, this alteration is predicted to be tolerated by in silico analysis. Since supporting evidence is limited at this time, the clinical significance of this alteration remains unclear.

Fulgent Genetics
Classification: Uncertain significance for Becker muscular dystrophy; Dilated cardiomyopathy 3B; Duchenne muscular dystrophy. Last evaluated: 2021-10-04. Review status: criteria provided, single submitter. Criteria: ACMG Guidelines, 2015. Collection method: clinical testing. Allele origin: unknown.

Labcorp Genetics (formerly Invitae), Labcorp
Classification: Uncertain significance for Duchenne muscular dystrophy. Last evaluated: 2021-08-14. Review status: criteria provided, single submitter. Criteria: Invitae Variant Classification Sherloc (09022015). Collection method: clinical testing. Allele origin: germline.
Comment: This sequence change replaces aspartic acid with glycine at codon 758 of the DMD protein (p.Asp758Gly). The aspartic acid residue is highly conserved and there is a moderate physicochemical difference between aspartic acid and glycine. This variant is not present in population databases (ExAC no frequency). This variant has not been reported in the literature in individuals affected with DMD-related conditions. Algorithms developed to predict the effect of missense changes on protein structure and function are either unavailable or do not agree on the potential impact of this missense change (SIFT: "Tolerated"; PolyPhen-2: "Probably Damaging"; Align-GVGD: "Class C0"). In summary, the available evidence is currently insufficient to determine the role of this variant in disease. Therefore, it has been classified as a Variant of Uncertain Significance.